The following is an entry in ClinVar:

ClinVar aggregate classification (germline): Likely pathogenic. Review status: reviewed by expert panel (3 of 4 stars). 2 submissions from 2 submitters: Likely pathogenic (1). 1 of the submissions does not count toward it. Last evaluated 2025-05-20.

Conditions:
RPGR-related retinopathy. Also called: RPGR retinopathy. Identifiers: MedGen CN305589, MONDO:0100437.

Submissions (2):

ClinGen X-linked Inherited Retinal Disease Variant Curation Expert Panel, ClinGen
Classification: Likely pathogenic for RPGR-related retinopathy. Last evaluated: 2025-05-20. Review status: reviewed by expert panel. Criteria: ClinGen X LinkedIRD ACMG Specifications RPGR V1.0.0. Collection method: curation. Allele origin: germline. Inheritance: X-linked inheritance.
Comment: NM_001034853.2(RPGR):c.642_656delinsC (p.Gly215TrpfsTer21) is a frameshift variant that introduces a premature stop codon into exon 7 of 15, which is predicted to trigger nonsense-mediated decay (PVS1). This variant is absent from hemizygous individuals in gnomAD v4.1.0 (PM2_Supporting). This variant has been reported in at least two probands that did not meet the PS4 requirement of some functional vision impairment in affected males by age 30 years and/or decreased or absent electroretinogram responses (PMID: 25556114, PMID: 34985506), so PS4_Supporting could not be met. In summary, this variant is classified as likely pathogenic for RPGR-related retinopathy based on the ClinGen X-linked Inherited Retinal Disease Expert Panel Specifications to the ACMG/AMP Variant Interpretation Guidelines for RPGR Version 1.0.0; PM2_supporting and PVS1. (date of approval 05/16/2025).

Eurofins Ntd Llc (ga)
Classification: Pathogenic. Last evaluated: 2014-08-27. Review status: criteria provided, single submitter. Criteria: EGL Classification Definitions 2015. Collection method: clinical testing. Allele origin: germline. Observed: 1 variant allele, 1 heterozygote. Not counted in ClinVar's aggregate classification.

NM_001034853.2(RPGR):c.642_656delinsC (p.Gly215fs)

Gene: RPGR (retinitis pigmentosa GTPase regulator; minus strand). Cytogenetic location: Xp11.4.
Variant type: Indel.
Coding change: c.642_656delinsC on transcript NM_001034853.2 (MANE Select); coding-DNA positions 642 to 656, TGGAGAACCTGAGAA replaced by C.
Protein change: p.Gly215fs; shifts the reading frame from glycine 215.
Molecular consequence: frameshift variant. On other transcripts: non-coding transcript variant (6).
Genome position (GRCh38, 1-based): chrX:38,310,737-38,310,751, TTCTCAGGTTCTCCA replaced by G on the plus strand (TGGAGAACCTGAGAA replaced by C on the coding strand, the reverse complement: RPGR is on the minus strand). VCF-style: chrX-38310737-TTCTCAGGTTCTCCA-G. GRCh37 (hg19) VCF-style: chrX-38169990-TTCTCAGGTTCTCCA-G.
Other names: NM_001034853.2(RPGR):c.642_656delinsC; p.Gly215fs; c.642_656delinsC, p.Gly215fs (NM_000328.3, NM_001367246.1, NM_001367247.1 and 1 more transcripts); c.639_653delinsC, p.Gly214fs (NM_001367245.1, NM_001367249.1, NM_001367250.1); c.672_686delinsC, p.Gly225fs (NM_001367248.1); short protein forms G225fs, G214fs, G215fs.
Identifiers: ClinVar variation 198414 (VCV000198414.6), dbSNP rs796065331, ClinGen allele CA275388.